The following is an entry in ClinVar:

ClinVar aggregate classification (germline): Uncertain significance (1 of 4 stars; one submission).

Conditions:
Inborn genetic diseases. Identifiers: MedGen C0950123, MeSH D030342.

Allele frequency attached by ClinVar (database versions not stated): gnomAD exomes 0.00001.
gnomAD v4.1: 12 of 1,611,402 alleles (0.00074%); highest among the groups gnomAD compares: Non-Finnish European, 0.00085%; no homozygotes.

Submission:

Ambry Genetics
Classification: Uncertain significance for Inborn genetic diseases. Last evaluated: 2024-03-07. Review status: criteria provided, single submitter. Criteria: Ambry Variant Classification Scheme 2023. Collection method: clinical testing. Allele origin: germline.
Comment: The p.I835V variant (also known as c.2503A>G), located in coding exon 20 of the LRRK2 gene, results from an A to G substitution at nucleotide position 2503. The isoleucine at codon 835 is replaced by valine, an amino acid with highly similar properties. This amino acid position is conserved. In addition, this alteration is predicted to be tolerated by in silico analysis. Since supporting evidence is limited at this time, the clinical significance of this alteration remains unclear.

NM_198578.4(LRRK2):c.2503A>G (p.Ile835Val)

Gene: LRRK2 (leucine rich repeat kinase 2; plus strand). Cytogenetic location: 12q12.
Variant type: single nucleotide variant.
Coding change: c.2503A>G on transcript NM_198578.4 (MANE Select); coding-DNA position 2503, A replaced by G.
Protein change: p.Ile835Val; replaces isoleucine 835 with valine.
Molecular consequence: missense variant.
Genome position (GRCh38, 1-based): chr12:40,287,353, A>G. VCF-style: chr12-40287353-A-G. GRCh37 (hg19) VCF-style: chr12-40681155-A-G.
Other names: short protein forms I835V.
Identifiers: ClinVar variation 1792278 (VCV001792278.2), dbSNP rs200557762, ClinGen allele CA235338394.